The following is an entry in ClinVar:

ClinVar aggregate classification (germline): Uncertain significance. Review status: criteria provided, multiple submitters, no conflicts (2 of 4 stars). 2 submissions from 2 submitters: Uncertain significance (2). Last evaluated 2025-05-31.

Conditions:
Cardiovascular phenotype. Identifiers: MedGen CN230736.
Brugada syndrome. Also called: Sudden unexpected nocturnal death syndrome; Sudden unexplained nocturnal death syndrome; Sudden Unexplained Death Syndrome; Sudden Unexplained Nocturnal Death Syndrome (SUNDS). Identifiers: Orphanet 130, MedGen C1142166, MONDO:0015263.

Allele frequency attached by ClinVar (database versions not stated): gnomAD 0.00001; gnomAD exomes 0.00002; TOPMed 0.00002; ExAC 0.00003; ESP Exome Variant Server 0.00015.
gnomAD v4.1: 32 of 1,612,996 alleles (0.002%); highest among the groups gnomAD compares: Non-Finnish European, 0.0026%; no homozygotes.

Submissions (2):

Ambry Genetics
Classification: Uncertain significance for Cardiovascular phenotype. Last evaluated: 2025-05-31. Review status: criteria provided, single submitter. Criteria: Ambry Variant Classification Scheme 2023. Collection method: clinical testing. Allele origin: germline.
Comment: The p.G1085D variant (also known as c.3254G>A), located in coding exon 39 of the CACNA2D1 gene, results from a G to A substitution at nucleotide position 3254. The glycine at codon 1085 is replaced by aspartic acid, an amino acid with similar properties. This amino acid position is conserved. In addition, this alteration is predicted to be tolerated by in silico analysis. Since supporting evidence is limited at this time, the clinical significance of this alteration remains unclear.

Labcorp Genetics (formerly Invitae), Labcorp
Classification: Uncertain significance for Brugada syndrome. Last evaluated: 2024-12-20. Review status: criteria provided, single submitter. Criteria: Invitae Variant Classification Sherloc (09022015). Collection method: clinical testing. Allele origin: germline.
Comment: This sequence change replaces glycine, which is neutral and non-polar, with aspartic acid, which is acidic and polar, at codon 1085 of the CACNA2D1 protein (p.Gly1085Asp). This variant is present in population databases (rs138331326, gnomAD 0.004%). This variant has not been reported in the literature in individuals affected with CACNA2D1-related conditions. ClinVar contains an entry for this variant (Variation ID: 2450731). An algorithm developed to predict the effect of missense changes on protein structure and function (PolyPhen-2) suggests that this variant is likely to be tolerated. In summary, the available evidence is currently insufficient to determine the role of this variant in disease. Therefore, it has been classified as a Variant of Uncertain Significance.

NM_000722.4(CACNA2D1):c.3254G>A (p.Gly1085Asp)

Gene: CACNA2D1 (calcium voltage-gated channel auxiliary subunit alpha2delta 1; minus strand). Cytogenetic location: 7q21.11.
Variant type: single nucleotide variant.
Coding change: c.3254G>A on transcript NM_000722.4 (MANE Select); coding-DNA position 3254, G replaced by A.
Protein change: p.Gly1085Asp; replaces glycine 1085 with aspartic acid.
Molecular consequence: missense variant.
Genome position (GRCh38, 1-based): chr7:81,950,414, C>T on the plus strand (G>A on the coding strand, the complement: CACNA2D1 is on the minus strand). VCF-style: chr7-81950414-C-T. GRCh37 (hg19) VCF-style: chr7-81579730-C-T.
Other names: c.3290G>A, p.Gly1097Asp (NM_001366867.1); short protein forms G1097D, G1085D.
Identifiers: ClinVar variation 2450731 (VCV002450731.6), dbSNP rs138331326, ClinGen allele CA4317326.